The following is an entry in ClinVar:

NM_001042492.3(NF1):c.5352T>G (p.Tyr1784Ter)

Gene: NF1 (neurofibromin 1; plus strand). Cytogenetic location: 17q11.2.
Variant type: single nucleotide variant.
Coding change: c.5352T>G on transcript NM_001042492.3 (MANE Select); coding-DNA position 5352, T replaced by G.
Protein change: p.Tyr1784Ter; replaces tyrosine 1784 with a stop codon.
Molecular consequence: nonsense.
Genome position (GRCh38, 1-based): chr17:31,327,582, T>G. VCF-style: chr17-31327582-T-G. GRCh37 (hg19) VCF-style: chr17-29654600-T-G.
Other names: c.5289T>G, p.Tyr1763Ter (NM_000267.4); short protein forms Y1763*, Y1784*.
Identifiers: ClinVar variation 3237826 (VCV003237826.6), dbSNP rs2508706010.
Genomic context (GRCh38, chr17:31,327,582, plus strand): 5'-AACTTCAGCAGAGCGAACAAAAGTCCTAGGGCAATCAGTCTTTCTAAATGACATTTATTA[T>G]GCTTCGGAAATTGAAGAAATCTGCCTAGTAGATGAGAACCAGTTCACCTTAACCATTGCA-3'

ClinVar aggregate classification (germline): Pathogenic. Review status: criteria provided, multiple submitters, no conflicts (2 of 4 stars). 5 submissions from 5 submitters: Pathogenic (5). Last evaluated 2025-07-06.

Conditions:
NF1-related disorder. Also called: NF1-related condition. Identifiers: MedGen CN379171.
Neurofibromatosis, type 1 (NF1). Also called: NEUROFIBROMATOSIS, TYPE I, SOMATIC; VON RECKLINGHAUSEN DISEASE; Neurofibromatosis, type I; Peripheral type neurofibromatosis. Identifiers: Orphanet 636, MedGen C0027831, MONDO:0018975, OMIM 162200. Disease mechanism: loss of function.
Cardiovascular phenotype. Identifiers: MedGen CN230736.
Hereditary cancer-predisposing syndrome. Also called: Tumor predisposition; Hereditary Cancer Syndrome; Hereditary neoplastic syndrome; Neoplastic Syndromes, Hereditary. Identifiers: Orphanet 140162, MedGen C0027672, MeSH D009386, MONDO:0015356.

Submissions (5):

3billion
Classification: Pathogenic for Neurofibromatosis, type 1. Last evaluated: 2025-07-06. Review status: criteria provided, single submitter. Criteria: ACMG Guidelines, 2015. Collection method: clinical testing. Allele origin: germline. Affected: yes.
Comment: The variant is not observed in the gnomAD v4.1.0 dataset. Predicted Consequence/Location: Stop-gained (nonsense): predicted to result in a loss or disruption of normal protein function through nonsense-mediated decay (NMD) or protein truncation. Multiple pathogenic variants are reported downstream of the variant. In silico tools predict the variant to alter splicing and produce an abnormal transcript [SpliceAI: 0.25 (spliceogenicity >=0.2, non-spliceogenicity <0.1)]. The variant has been reported at least twice as pathogenic without evidence for the classification (ClinVar ID: VCV003237826 /PMID: 18041031). Therefore, this variant is classified as Pathogenic according to the recommendation of ACMG/AMP guideline.

Labcorp Genetics (formerly Invitae), Labcorp
Classification: Pathogenic for Neurofibromatosis, type 1. Last evaluated: 2024-05-02. Review status: criteria provided, single submitter. Criteria: Invitae Variant Classification Sherloc (09022015). Collection method: clinical testing. Allele origin: germline.
Comment: This sequence change creates a premature translational stop signal (p.Tyr1763*) in the NF1 gene. It is expected to result in an absent or disrupted protein product. Loss-of-function variants in NF1 are known to be pathogenic (PMID: 10712197, 23913538). This variant is not present in population databases (gnomAD no frequency). This premature translational stop signal has been observed in individual(s) with neurofibromatosis type 1 (PMID: 18041031). Algorithms developed to predict the effect of sequence changes on RNA splicing suggest that this variant may disrupt the consensus splice site. For these reasons, this variant has been classified as Pathogenic.

GeneDx
Classification: Pathogenic. Last evaluated: 2023-08-29. Review status: criteria provided, single submitter. Criteria: GeneDx Variant Classification Process June 2021. Collection method: clinical testing. Allele origin: germline. Affected: yes.
Comment: Nonsense variant predicted to result in protein truncation or nonsense mediated decay in a gene for which loss of function is a known mechanism of disease; Not observed at significant frequency in large population cohorts (gnomAD); This variant is associated with the following publications: (PMID: 25525159, 18041031)

Ambry Genetics
Classification: Pathogenic for Cardiovascular phenotype; Hereditary cancer-predisposing syndrome. Last evaluated: 2023-06-06. Review status: criteria provided, single submitter. Criteria: Ambry Variant Classification Scheme 2023. Collection method: clinical testing. Allele origin: germline.
Comment: The p.Y1763* pathogenic mutation (also known as c.5289T>G), located in coding exon 37 of the NF1 gene, results from a T to G substitution at nucleotide position 5289. This changes the amino acid from a tyrosine to a stop codon within coding exon 37. This alteration has been reported in an individual with a diagnosis of neurofibromatosis type 1 (Brinckmann A et al. Electrophoresis, 2007 Dec;28:4295-301). This variant is considered to be rare based on population cohorts in the Genome Aggregation Database (gnomAD). In addition to the clinical data presented in the literature, this alteration is expected to result in loss of function by premature protein truncation or nonsense-mediated mRNA decay. As such, this alteration is interpreted as a disease-causing mutation.

Blueprint Genetics
Classification: Pathogenic for NF1-related disorders. Last evaluated: 2021-10-05. Review status: criteria provided, single submitter. Criteria: ACMG Guidelines, 2015. Collection method: clinical testing. Allele origin: germline. Affected: yes. Observed: 1 variant allele.

Literature cited by the submitters: PubMed 18041031 (cited by 3billion and Labcorp Genetics (formerly Invitae), Labcorp); PubMed 10712197 (cited by Labcorp Genetics (formerly Invitae), Labcorp); PubMed 23913538 (cited by Labcorp Genetics (formerly Invitae), Labcorp).